The following is an entry in ClinVar:

ClinVar aggregate classification (germline): Likely pathogenic. Review status: criteria provided, multiple submitters, no conflicts (2 of 4 stars). 3 submissions from 3 submitters: Likely pathogenic (3). Last evaluated 2024-06-25.

Conditions:
Muscular dystrophy-dystroglycanopathy (congenital with brain and eye anomalies), type A2. Also called: MUSCULAR DYSTROPHY-DYSTROGLYCANOPATHY (CONGENITAL WITH BRAIN AND EYE ANOMALIES), TYPE A, 2; WALKER-WARBURG SYNDROME OR MUSCLE-EYE-BRAIN DISEASE, POMT2-RELATED. Identifiers: Orphanet 588, Orphanet 899, MedGen C3150411, MONDO:0013154, OMIM 613150.
Autosomal recessive limb-girdle muscular dystrophy type 2N. Also called: Muscular dystrophy-dystroglycanopathy (limb-girdle), type C, 2; MUSCULAR DYSTROPHY-DYSTROGLYCANOPATHY, LIMB-GIRDLE, POMT2-RELATED. Identifiers: Orphanet 206559, MedGen C3150418, MONDO:0013162, OMIM 613158.
Muscular dystrophy-dystroglycanopathy (congenital with impaired intellectual development), type B, 2. Also called: MUSCULAR DYSTROPHY, CONGENITAL, POMT2-RELATED; Muscular dystrophy-dystroglycanopathy (congenital with intellectual disability), type B2. Identifiers: MedGen C3150416, MONDO:0013160, OMIM 613156.

Allele frequency attached by ClinVar (database versions not stated): gnomAD exomes below 0.00001; ExAC 0.00001.
gnomAD v4.1: 2 of 1,613,694 alleles (0.00012%); highest among the groups gnomAD compares: East Asian, 0.0045%; no homozygotes.

Submissions (3):

Fulgent Genetics
Classification: Likely pathogenic for Muscular dystrophy-dystroglycanopathy (congenital with brain and eye anomalies), type A2; Muscular dystrophy-dystroglycanopathy (congenital with impaired intellectual development), type B, 2; Autosomal recessive limb-girdle muscular dystrophy type 2N. Last evaluated: 2024-06-25. Review status: criteria provided, single submitter. Criteria: ACMG Guidelines, 2015. Collection method: clinical testing. Allele origin: germline.

Baylor Genetics
Classification: Likely pathogenic for Muscular dystrophy-dystroglycanopathy (congenital with brain and eye anomalies), type A2. Last evaluated: 2024-03-07. Review status: criteria provided, single submitter. Criteria: ACMG Guidelines, 2015. Collection method: clinical testing. Allele origin: unknown.

Neuberg Centre For Genomic Medicine, NCGM
Classification: Likely pathogenic for Autosomal recessive limb-girdle muscular dystrophy type 2N. Review status: criteria provided, single submitter. Criteria: ACMG Guidelines, 2015. Collection method: clinical testing. Allele origin: germline. Inheritance: Autosomal recessive inheritance. Affected: yes.
Comment: The invariant splice acceptor c.1184-1G>C has not been reported previously as a pathogenic variant nor as a benign variant, to our knowledge. The variant has been reported with allele frequency of 0.0008% in gnomAD Exomes and is absent in 1000 Genomes database. This variant has not been reported to the ClinVar database. Loss of function variants have been previously reported to be disease causing. For these reasons, this variant has been classified as Likely Pathogenic. In absence of another reportable variant in POMT2 gene, the molecular diagnosis is not confirmed.

NM_013382.7(POMT2):c.1184-1G>C

Gene: POMT2 (protein O-mannosyltransferase 2; minus strand). Cytogenetic location: 14q24.3.
Variant type: single nucleotide variant.
Coding change: c.1184-1G>C on transcript NM_013382.7 (MANE Select); the canonical splice acceptor site of the intron before coding-DNA position 1184, G replaced by C.
Molecular consequence: splice acceptor variant.
Genome position (GRCh38, 1-based): chr14:77,288,832, C>G on the plus strand (G>C on the coding strand, the complement: POMT2 is on the minus strand). VCF-style: chr14-77288832-C-G. GRCh37 (hg19) VCF-style: chr14-77755175-C-G.
Identifiers: ClinVar variation 2678025 (VCV002678025.3), dbSNP rs751984732, ClinGen allele CA7285932.